The following is an entry in ClinVar:

NM_006648.4(WNK2):c.1076G>A (p.Gly359Asp)

Gene: WNK2 (WNK lysine deficient protein kinase 2; plus strand). Cytogenetic location: 9q22.31.
Variant type: single nucleotide variant.
Coding change: c.1076G>A on transcript NM_006648.4 (MANE Select); coding-DNA position 1076, G replaced by A.
Protein change: p.Gly359Asp; replaces glycine 359 with aspartic acid.
Molecular consequence: missense variant.
Genome position (GRCh38, 1-based): chr9:93,234,808, G>A. VCF-style: chr9-93234808-G-A. GRCh37 (hg19) VCF-style: chr9-95997090-G-A.
Other names: c.1076G>A, p.Gly359Asp (NM_001282394.3); short protein forms G359D.
Identifiers: ClinVar variation 3982032 (VCV003982032.1).

ClinVar aggregate classification (germline): Uncertain significance (1 of 4 stars; one submission).

Submission:

Ambry Genetics
Classification: Uncertain significance. Last evaluated: 2025-05-15. Review status: criteria provided, single submitter. Criteria: Ambry Variant Classification Scheme 2023. Collection method: clinical testing. Allele origin: germline.
Comment: The p.G359D variant (also known as c.1076G>A) is located in coding exon 4 of the WNK2 gene. The glycine at codon 359 is replaced by aspartic acid, an amino acid with similar properties. This change occurs in the first base pair of coding exon 4. This amino acid position is conserved. In addition, this alteration is predicted to be deleterious by in silico analysis. Based on the available evidence, the clinical significance of this variant remains unclear.